The following is an entry in ClinVar:

ClinVar aggregate classification (germline): Likely pathogenic (1 of 4 stars; one submission).

Conditions:
Intellectual developmental disorder, autosomal recessive 43. Also called: Intellectual disability, autosomal recessive 43. Identifiers: Orphanet 88616, MedGen C4014386, MONDO:0014354, OMIM 615817.

Submission:

Women's Health and Genetics/Laboratory Corporation of America, LabCorp
Classification: Likely pathogenic for Intellectual developmental disorder, autosomal recessive 43. Last evaluated: 2022-10-03. Review status: criteria provided, single submitter. Criteria: LabCorp Variant Classification Summary - May 2015. Collection method: clinical testing. Allele origin: germline.
Comment: Variant summary: KIAA1033/WASHC4 c.1374delG (p.Met458IlefsX11) results in a premature termination codon, predicted to cause a truncation of the encoded protein or absence of the protein due to nonsense mediated decay, which are commonly known mechanisms for disease. A truncation nearby, but upstream, has been reported in the compound heterozygous state in two sisters with learning disabilities, macrocephaly, dysmorphic features, skeletal anomalies, and subependymal heterotopic nodules (Assoum_2020, p.Gln442*). The variant was absent in 249292 control chromosomes. To our knowledge, no occurrence of c.1374delG in individuals affected with Mental Retardation, Autosomal Recessive 43 and no experimental evidence demonstrating its impact on protein function have been reported. No clinical diagnostic laboratories have submitted clinical-significance assessments for this variant to ClinVar after 2014. Based on the evidence outlined above, the variant was classified as likely pathogenic.

NM_015275.3(WASHC4):c.1374del (p.Met458fs)

Gene: WASHC4 (WASH complex subunit 4; plus strand). Cytogenetic location: 12q23.3.
Variant type: Deletion.
Coding change: c.1374del on transcript NM_015275.3 (MANE Select); coding-DNA position 1374, one base deleted (G; older notation c.1374delG).
Protein change: p.Met458fs; shifts the reading frame from methionine 458.
Molecular consequence: frameshift variant.
Genome position (GRCh38, 1-based): chr12:105,137,933, G deleted. VCF-style (leftmost placement, unchanged base first): chr12-105137932-TG-T. GRCh37 (hg19) VCF-style: chr12-105531710-TG-T.
Other names: c.1377del, p.Met459fs (NM_001293640.2); short protein forms M458fs, M459fs.
Identifiers: ClinVar variation 1804867 (VCV001804867.1), dbSNP rs2502632564, ClinGen allele CA2580085732.
Genomic context (GRCh38, chr12:105,137,932, plus strand): 5'-GTTTTCCTTTACAGGGCTTCTTGTATGCATATAGTATTAGTACCATTATTAAAACCACAA[TG>T]AATCTCTACATGTCCATGCAAAAGCCAATGACCAAAACCTCAGTTAAGGCATTGTGCAGG-3'